The following is an entry in ClinVar:

ClinVar aggregate classification (germline): Conflicting classifications of pathogenicity. Review status: criteria provided, conflicting classifications (1 of 4 stars). 10 submissions from 10 submitters: Uncertain significance (7); Benign (1); Likely benign (1). 1 of the submissions does not count toward it. Last evaluated 2026-08-28.

Conditions:
PDE6A-related disorder. Also called: PDE6A-related condition.
Retinal dystrophy. Also called: Inherited retinal dystrophy. Identifiers: Orphanet 71862, MedGen C0854723, MeSH D058499, MONDO:0019118, HP:0000556.
Retinitis pigmentosa (RP). Identifiers: Orphanet 791, MedGen C0035334, MeSH D012174, MONDO:0019200, OMIM 268000. Inheritance: Autosomal dominant, autosomal recessive and X linked inheritance.
Retinitis pigmentosa 43 (RP43). Identifiers: Orphanet 791, MedGen C3151139, MONDO:0013437, OMIM 613810.

Allele frequency attached by ClinVar (database versions not stated): 1000 Genomes Project 30x 0.00031; ExAC 0.00033; 1000 Genomes Project 0.00040; gnomAD exomes 0.00041; gnomAD 0.00045 and 0.00052; TOPMed 0.00070.
gnomAD v4.1: 533 of 1,614,104 alleles (0.033%); highest among the groups gnomAD compares: Middle Eastern, 0.96%; 2 homozygotes.

Submissions (10):

PreventionGenetics, part of Exact Sciences
Classification: Uncertain significance for PDE6A-related condition. Last evaluated: 2026-08-28. Review status: criteria provided, single submitter. Criteria: ACMG Guidelines, 2015. Collection method: clinical testing. Allele origin: germline.
Comment: The PDE6A c.367G>T variant is predicted to result in the amino acid substitution p.Asp123Tyr. This variant was reported, along with a second missense variant in PDE6A, in an individual with retinal disease (supplementary data, Ellingford et al. 2016. PubMed ID: 27208204). However, this variant is reported in 0.10% of alleles in individuals of Latino descent in gnomAD, which may be too frequent to be a primary cause of disease. Additionally, this variant was found as an additional heterozygous variant in an affected individual who harbored two causative CEP290 variants (Kikani et al. 2025. PubMed ID: 40407606). Although we suspect that this variant may be benign, at this time, the clinical significance of this variant is uncertain due to the absence of conclusive functional and genetic evidence.

Labcorp Genetics (formerly Invitae), Labcorp
Classification: Likely benign. Last evaluated: 2026-01-15. Review status: criteria provided, single submitter. Criteria: Invitae Variant Classification Sherloc (09022015). Collection method: clinical testing. Allele origin: germline.

Blueprint Genetics
Classification: Benign. Last evaluated: 2024-11-14. Review status: criteria provided, single submitter. Criteria: ACMG Guidelines, 2015. Collection method: clinical testing. Allele origin: germline.

Dasa
Classification: Uncertain significance. Last evaluated: 2024-06-03. Review status: criteria provided, single submitter. Criteria: DASA Assertion Criteria. Collection method: clinical testing. Allele origin: germline.
Comment: NM_000440.3(PDE6A):c.367G>T (p.Asp123Tyr) is a missense variant that results in the substitution of aspartic acid with tyrosine. This variant has been reported in individuals with PDE6A-related disorders (PMID: 27208204). This classification is supported by population frequency inconsistent with a disease-causing role. The currently available literature and clinical evidence are not sufficient to establish a definitive association between this variant and the reported condition. Therefore, this variant is classified as a variant of uncertain significance.

Fulgent Genetics
Classification: Uncertain significance for Retinitis pigmentosa 43. Last evaluated: 2022-05-10. Review status: criteria provided, single submitter. Criteria: ACMG Guidelines, 2015. Collection method: clinical testing. Allele origin: unknown.

Institute of Human Genetics, Univ. Regensburg, Univ. Regensburg
Classification: Uncertain significance for Retinal dystrophy. Last evaluated: 2022-01-01. Review status: criteria provided, single submitter. Criteria: ACMG Guidelines, 2015. Collection method: clinical testing. Allele origin: germline. Affected: yes.

Illumina Laboratory Services, Illumina
Classification: Uncertain significance for Retinitis pigmentosa. Last evaluated: 2018-01-13. Review status: criteria provided, single submitter. Criteria: ICSL Variant Classification Criteria 13 December 2019. Collection method: clinical testing. Allele origin: germline.

Eurofins Ntd Llc (ga)
Classification: Uncertain significance. Last evaluated: 2015-12-01. Review status: criteria provided, single submitter. Criteria: EGL Classification Definitions 2015. Collection method: clinical testing. Allele origin: germline. Observed: 1 variant allele, 1 heterozygote.

Breakthrough Genomics
Classification: Uncertain significance. Review status: criteria provided, single submitter. Criteria: ACMG Guidelines, 2015. Collection method: not provided. Allele origin: germline. Inheritance: Unknown mechanism. Affected: yes.

Centre for Genomic Medicine, Manchester, Central Manchester University Hospitals
Classification: Uncertain significance for Retinal dystrophy. Review status: no assertion criteria provided. Collection method: clinical testing. Allele origin: germline. Affected: yes. Not counted in ClinVar's aggregate classification.

Literature cited by the submitters: PubMed 27208204 (cited by Dasa and Institute of Human Genetics, Univ. Regensburg, Univ. Regensburg); PubMed 24416769 (cited by Dasa and Eurofins Ntd Llc (ga)).

NM_000440.3(PDE6A):c.367G>T (p.Asp123Tyr)

Gene: PDE6A (phosphodiesterase 6A; minus strand). Cytogenetic location: 5q32.
Variant type: single nucleotide variant.
Coding change: c.367G>T on transcript NM_000440.3 (MANE Select); coding-DNA position 367, G replaced by T.
Protein change: p.Asp123Tyr; replaces aspartic acid 123 with tyrosine.
Molecular consequence: missense variant.
Genome position (GRCh38, 1-based): chr5:149,944,307, C>A on the plus strand (G>T on the coding strand, the complement: PDE6A is on the minus strand). VCF-style: chr5-149944307-C-A. GRCh37 (hg19) VCF-style: chr5-149323870-C-A.
Other names: short protein forms D123Y.
Identifiers: ClinVar variation 236450 (VCV000236450.24), dbSNP rs147010346, ClinGen allele CA3505068.